The following is an entry in ClinVar:

ClinVar aggregate classification (germline): Benign (1 of 4 stars; one submission).

Allele frequency attached by ClinVar (database versions not stated): 1000 Genomes Project 30x 0.91833; 1000 Genomes Project 0.92232; TOPMed 0.93361; gnomAD 0.93713 and 0.94031.
gnomAD v4.1: 143,214 of 152,228 alleles (94%); highest among the groups gnomAD compares: Non-Finnish European, 100%; 67,921 homozygotes.

Submission:

GeneDx
Classification: Benign. Last evaluated: 2018-06-14. Review status: criteria provided, single submitter. Criteria: GeneDx Variant Classification (06012015). Collection method: clinical testing. Allele origin: germline. Affected: yes.
Comment: This variant is considered likely benign or benign based on one or more of the following criteria: it is a conservative change, it occurs at a poorly conserved position in the protein, it is predicted to be benign by multiple in silico algorithms, and/or has population frequency not consistent with disease.

NM_018109.4(MTPAP):c.992+163G>A

Gene: MTPAP (mitochondrial poly(A) polymerase; minus strand). Cytogenetic location: 10p11.23.
Variant type: single nucleotide variant.
Coding change: c.992+163G>A on transcript NM_018109.4 (MANE Select); 163 bases into the intron after coding-DNA position 992, G replaced by A.
Molecular consequence: intron variant.
Genome position (GRCh38, 1-based): chr10:30,326,261, C>T on the plus strand (G>A on the coding strand, the complement: MTPAP is on the minus strand). VCF-style: chr10-30326261-C-T. GRCh37 (hg19) VCF-style: chr10-30615190-C-T.
Identifiers: ClinVar variation 683223 (VCV000683223.1), dbSNP rs2484286, ClinGen allele CA205273787.